The following is an entry in ClinVar:

NM_001367624.2(ZNF469):c.10961A>G (p.His3654Arg)

Gene: ZNF469 (zinc finger protein 469; plus strand). Cytogenetic location: 16q24.2.
Variant type: single nucleotide variant.
Coding change: c.10961A>G on transcript NM_001367624.2 (MANE Select); coding-DNA position 10961, A replaced by G.
Protein change: p.His3654Arg; replaces histidine 3654 with arginine.
Molecular consequence: missense variant.
Genome position (GRCh38, 1-based): chr16:88,438,431, A>G. VCF-style: chr16-88438431-A-G. GRCh37 (hg19) VCF-style: chr16-88504839-A-G.
Other names: NM_001127464.1:c.10877A>G; short protein forms H3654R.
Identifiers: ClinVar variation 3476299 (VCV003476299.2).

ClinVar aggregate classification (germline): Uncertain significance. Review status: criteria provided, multiple submitters, no conflicts (2 of 4 stars). 2 submissions from 2 submitters: Uncertain significance (2). Last evaluated 2025-11-11.

Conditions:
Cardiovascular phenotype. Identifiers: MedGen CN230736.

gnomAD v4.1: 2 of 1,550,134 alleles (0.00013%); highest among the groups gnomAD compares: Admixed American, 0.0039%; no homozygotes.

Submissions (2):

Women's Health and Genetics/Laboratory Corporation of America, LabCorp
Classification: Uncertain significance. Last evaluated: 2025-11-11. Review status: criteria provided, single submitter. Criteria: LabCorp Variant Classification Summary - May 2015. Collection method: clinical testing. Allele origin: germline.
Comment: Variant summary: ZNF469 c.10961A>G (p.His3654Arg) results in a non-conservative amino acid change in the encoded protein sequence. Algorithms developed to predict the effect of missense changes on protein structure and function are either unavailable or do not agree on the potential impact of this missense change. The variant allele was found at a frequency of 1.4e-05 in 146478 control chromosomes. The available data on variant occurrences in the general population are insufficient to allow any conclusion about variant significance. To our knowledge, no occurrence of c.10961A>G in individuals affected with ZNF469-related conditions and no experimental evidence demonstrating its impact on protein function have been reported. ClinVar contains an entry for this variant (Variation ID: 3476299). Based on the evidence outlined above, the variant was classified as uncertain significance.

Ambry Genetics
Classification: Uncertain significance for Cardiovascular phenotype. Last evaluated: 2024-11-20. Review status: criteria provided, single submitter. Criteria: Ambry Variant Classification Scheme 2023. Collection method: clinical testing. Allele origin: germline.